The following is an entry in ClinVar:

ClinVar aggregate classification (germline): Uncertain significance. Review status: criteria provided, multiple submitters, no conflicts (2 of 4 stars). 2 submissions from 2 submitters: Uncertain significance (2). Last evaluated 2025-05-31.

Conditions:
Mitochondrial complex II deficiency, nuclear type 1. Also called: SUCCINATE CoQ REDUCTASE DEFICIENCY. Identifiers: Orphanet 3208, MedGen C5700310, MONDO:0100294, OMIM 252011.
Pheochromocytoma/paraganglioma syndrome 5. Also called: Paragangliomas 5; SDHA-Related Hereditary Paraganglioma-Pheochromocytoma Syndrome. Identifiers: Orphanet 29072, MedGen C3279992, MONDO:0013602, OMIM 614165.
Hereditary cancer-predisposing syndrome. Also called: Hereditary Cancer Syndrome; Hereditary neoplastic syndrome; Neoplastic Syndromes, Hereditary; Tumor predisposition. Identifiers: Orphanet 140162, MedGen C0027672, MeSH D009386, MONDO:0015356.

Submissions (2):

Ambry Genetics
Classification: Uncertain significance for Hereditary cancer-predisposing syndrome. Last evaluated: 2025-05-31. Review status: criteria provided, single submitter. Criteria: Ambry Variant Classification Scheme 2023. Collection method: clinical testing. Allele origin: germline.
Comment: The p.N155K variant (also known as c.465T>G), located in coding exon 5 of the SDHA gene, results from a T to G substitution at nucleotide position 465. The asparagine at codon 155 is replaced by lysine, an amino acid with similar properties. This amino acid position is highly conserved in available vertebrate species. In addition, this alteration is predicted to be tolerated by in silico analysis. Since supporting evidence is limited at this time, the clinical significance of this alteration remains unclear.

Labcorp Genetics (formerly Invitae), Labcorp
Classification: Uncertain significance for Pheochromocytoma/paraganglioma syndrome 5; Mitochondrial complex II deficiency, nuclear type 1. Last evaluated: 2024-01-10. Review status: criteria provided, single submitter. Criteria: Invitae Variant Classification Sherloc (09022015). Collection method: clinical testing. Allele origin: germline.
Comment: This sequence change replaces asparagine, which is neutral and polar, with lysine, which is basic and polar, at codon 155 of the SDHA protein (p.Asn155Lys). This variant is not present in population databases (gnomAD no frequency). This variant has not been reported in the literature in individuals affected with SDHA-related conditions. ClinVar contains an entry for this variant (Variation ID: 1742252). Advanced modeling of protein sequence and biophysical properties (such as structural, functional, and spatial information, amino acid conservation, physicochemical variation, residue mobility, and thermodynamic stability) performed at Invitae indicates that this missense variant is not expected to disrupt SDHA protein function with a negative predictive value of 95%. In summary, the available evidence is currently insufficient to determine the role of this variant in disease. Therefore, it has been classified as a Variant of Uncertain Significance.

NM_004168.4(SDHA):c.465T>G (p.Asn155Lys)

Gene: SDHA (succinate dehydrogenase complex flavoprotein subunit A; plus strand). Cytogenetic location: 5p15.33.
Variant type: single nucleotide variant.
Coding change: c.465T>G on transcript NM_004168.4 (MANE Select); coding-DNA position 465, T replaced by G.
Protein change: p.Asn155Lys; replaces asparagine 155 with lysine.
Molecular consequence: missense variant.
Genome position (GRCh38, 1-based): chr5:225,891, T>G. VCF-style: chr5-225891-T-G. GRCh37 (hg19) VCF-style: chr5-226006-T-G.
Other names: c.321T>G, p.Asn107Lys (NM_001294332.2); c.465T>G, p.Asn155Lys (NM_001330758.2); short protein forms N107K, N155K.
Identifiers: ClinVar variation 1742252 (VCV001742252.6), dbSNP rs2477298745, ClinGen allele CA359009833.
Genomic context (GRCh38, chr5:225,891, plus strand): 5'-ATCTTGACTCCTTTAAGGTGTTAAGGTTTTTGTTTGTTTTTATCTTTCACAGCTAGAAAA[T>G]TATGGCATGCCGTTTAGCAGAACTGAAGATGGGAAGATTTATCAGCGTGCATTTGGTGGA-3'
Protein context (NP_004159.2, residues 145-165): QAPAAVVELE[Asn155Lys]YGMPFSRTED